The following is an entry in ClinVar:

ClinVar aggregate classification (germline): Pathogenic. Review status: criteria provided, multiple submitters, no conflicts (2 of 4 stars). 3 submissions from 3 submitters: Pathogenic (3). Last evaluated 2025-09-24.

Conditions:
Hereditary cancer-predisposing syndrome. Also called: Neoplastic Syndromes, Hereditary; Tumor predisposition; Hereditary Cancer Syndrome; Hereditary neoplastic syndrome. Identifiers: Orphanet 140162, MedGen C0027672, MeSH D009386, MONDO:0015356.
Familial adenomatous polyposis 1 (FAP1). Also called: FAMILIAL ADENOMATOUS POLYPOSIS 1, ATTENUATED; POLYPOSIS, ADENOMATOUS INTESTINAL. Identifiers: MedGen C2713442, MONDO:0021056, OMIM 175100. Disease mechanism: loss of function.

Submissions (3):

Ambry Genetics
Classification: Pathogenic for Hereditary cancer-predisposing syndrome. Last evaluated: 2025-09-24. Review status: criteria provided, single submitter. Criteria: Ambry Variant Classification Scheme 2023. Collection method: clinical testing. Allele origin: germline.
Comment: The c.3596dupA pathogenic mutation, located in coding exon 15 of the APC gene, results from a duplication of A at nucleotide position 3596, causing a translational frameshift with a predicted alternate stop codon (p.S1200Efs*8). This alteration occurs at the 3' terminus of the gene, is not expected to trigger nonsense-mediated mRNA decay, and impacts the last 57.8% of the protein. However, premature stop codons are typically deleterious in nature and a significant portion of the protein is affected (Ambry internal data). This variant, also designated as 3614insA, was reported in individual(s) with features consistent with APC-related familial adenomatous polyposis (Michils G et al. Eur. J. Hum. Genet. 2002 Sep; 10(9):505-10; De la Fuente MK et al. Dis. Colon Rectum. 2007 Dec;50:2142-8; Ambry internal data). This variant is considered to be rare based on population cohorts in the Genome Aggregation Database (gnomAD). Based on the supporting evidence, this variant is interpreted as a disease-causing mutation.

Labcorp Genetics (formerly Invitae), Labcorp
Classification: Pathogenic for Familial adenomatous polyposis 1. Last evaluated: 2025-04-13. Review status: criteria provided, single submitter. Criteria: Invitae Variant Classification Sherloc (09022015). Collection method: clinical testing. Allele origin: germline.
Comment: This sequence change creates a premature translational stop signal (p.Ser1200Glufs*8) in the APC gene. While this is not anticipated to result in nonsense mediated decay, it is expected to disrupt the last 1644 amino acid(s) of the APC protein. This variant is not present in population databases (gnomAD no frequency). This premature translational stop signal has been observed in individual(s) with familial adenomatous polyposis (PMID: 12173026, 17963004). This variant is also known as 3614insA. ClinVar contains an entry for this variant (Variation ID: 482355). This variant is expected to disrupt the EB1 and HDLG binding sites, which mediate interactions with the cytoskeleton (PMID: 15311282, 17293347). While functional studies have not been performed to directly test the effect on APC protein function, this suggests that disruption of the C-terminal portion of the protein is functionally important. This variant disrupts a region of the APC protein in which other variant(s) (p.Tyr2645Lysfs*14) have been determined to be pathogenic (PMID: 8381579, 9824584, 22135120, 27081525). This suggests that this is a clinically significant region of the protein, and that variants that disrupt it are likely to be disease-causing. For these reasons, this variant has been classified as Pathogenic.

Myriad Genetics, Inc.
Classification: Pathogenic for Familial adenomatous polyposis 1. Last evaluated: 2023-05-09. Review status: criteria provided, single submitter. Criteria: Myriad Autosomal Dominant, Autosomal Recessive and X-Linked Classification Criteria (2023). Collection method: clinical testing. Allele origin: unknown.
Comment: This variant is considered pathogenic. This variant creates a frameshift predicted to result in premature protein truncation.

Literature cited by the submitters: PubMed 12173026 (cited by Ambry Genetics and Labcorp Genetics (formerly Invitae), Labcorp); PubMed 17963004 (cited by Ambry Genetics and Labcorp Genetics (formerly Invitae), Labcorp); PubMed 15311282 (cited by Labcorp Genetics (formerly Invitae), Labcorp); PubMed 17293347 (cited by Labcorp Genetics (formerly Invitae), Labcorp); PubMed 8381579 (cited by Labcorp Genetics (formerly Invitae), Labcorp); PubMed 9824584 (cited by Labcorp Genetics (formerly Invitae), Labcorp); PubMed 22135120 (cited by Labcorp Genetics (formerly Invitae), Labcorp); PubMed 27081525 (cited by Labcorp Genetics (formerly Invitae), Labcorp).

NM_000038.6(APC):c.3596dup (p.Ser1200fs)

Gene: APC (APC regulator of Wnt signaling pathway; plus strand). Cytogenetic location: 5q22.2.
Variant type: Duplication.
Coding change: c.3596dup on transcript NM_000038.6 (MANE Select); coding-DNA position 3596, one base duplicated (A; older notation c.3596dupA).
Protein change: p.Ser1200fs; shifts the reading frame from serine 1200.
Molecular consequence: frameshift variant.
Genome position (GRCh38, 1-based): chr5:112,839,190, A duplicated; the last of 3 consecutive A bases (chr5:112,839,188-112,839,190); duplicating any one gives the same sequence. VCF-style (leftmost placement, unchanged base first): chr5-112839187-C-CA. GRCh37 (hg19) VCF-style: chr5-112174884-C-CA.
Other names: c.3596dup, p.Ser1200fs (NM_001127510.3, NM_001354895.2); c.3542dup, p.Ser1182fs (NM_001127511.3); c.3650dup, p.Ser1218fs (NM_001354896.2); c.3626dup, p.Ser1210fs (NM_001354897.2); c.3521dup, p.Ser1175fs (NM_001354898.2); c.3512dup, p.Ser1172fs (NM_001354899.2); c.3473dup, p.Ser1159fs (NM_001354900.2); c.3419dup, p.Ser1141fs (NM_001354901.2); and 6 more; short protein forms S1074fs, S1141fs, S1159fs, S1172fs, S1182fs, S917fs, S1099fs, S1210fs.
Identifiers: ClinVar variation 482355 (VCV000482355.12), dbSNP rs864622106, ClinGen allele CA658655916.
Genomic context (GRCh38, chr5:112,839,187, plus strand): 5'-ATTATAGTTTAAAATATGCCACAGATATTCCTTCATCACAGAAACAGTCATTTTCATTCT[C>CA]AAAGAGTTCATCTGGACAAAGCAGTAAAACCGAACATATGTCTTCAAGCAGTGAGAATAC-3'